The following is an entry in ClinVar:

ClinVar aggregate classification (germline): Uncertain significance (1 of 4 stars; one submission).

Conditions:
Hypertrophic cardiomyopathy 26. Also called: Cardiomyopathy, familial hypertrophic, 26. Identifiers: Orphanet 75249, MedGen C4310749, MONDO:0014883, OMIM 617047.
Myofibrillar myopathy 5. Also called: Filaminopathy (type); FILAMINOPATHY, AUTOSOMAL DOMINANT. Identifiers: Orphanet 171445, MedGen C1836050, MONDO:0012289, OMIM 609524.
Distal myopathy with posterior leg and anterior hand involvement. Also called: WILLIAMS DISTAL MYOPATHY. Identifiers: Orphanet 63273, MedGen C3279722, MONDO:0013550, OMIM 614065.

Submission:

Labcorp Genetics (formerly Invitae), Labcorp
Classification: Uncertain significance for Distal myopathy with posterior leg and anterior hand involvement; Myofibrillar myopathy 5; Hypertrophic cardiomyopathy 26. Last evaluated: 2023-07-25. Review status: criteria provided, single submitter. Criteria: Invitae Variant Classification Sherloc (09022015). Collection method: clinical testing. Allele origin: germline.
Comment: Algorithms developed to predict the effect of sequence changes on RNA splicing suggest that this variant may create or strengthen a splice site. In summary, the available evidence is currently insufficient to determine the role of this variant in disease. Therefore, it has been classified as a Variant of Uncertain Significance. This variant has not been reported in the literature in individuals affected with FLNC-related conditions. This variant is not present in population databases (gnomAD no frequency). This sequence change affects codon 1419 of the FLNC mRNA. It is a 'silent' change, meaning that it does not change the encoded amino acid sequence of the FLNC protein.

NM_001458.5(FLNC):c.4257C>A (p.Val1419=)

Gene: FLNC (filamin C; plus strand). Cytogenetic location: 7q32.1.
Variant type: single nucleotide variant.
Coding change: c.4257C>A on transcript NM_001458.5 (MANE Select); coding-DNA position 4257, C replaced by A.
Protein change: p.Val1419=; no amino-acid change (valine 1419 retained).
Molecular consequence: synonymous variant.
Genome position (GRCh38, 1-based): chr7:128,846,874, C>A. VCF-style: chr7-128846874-C-A. GRCh37 (hg19) VCF-style: chr7-128486928-C-A.
Other names: c.4257C>A, p.Val1419= (NM_001127487.2).
Identifiers: ClinVar variation 2949634 (VCV002949634.3), dbSNP rs2536643761, ClinGen allele CA457582041.